The following is an entry in ClinVar:

ClinVar aggregate classification (germline): Uncertain significance (1 of 4 stars; one submission).

Conditions:
Compton-North congenital myopathy (CMYO12). Identifiers: Orphanet 210163, MedGen C2675527, MONDO:0012929, OMIM 612540.

Submission:

Labcorp Genetics (formerly Invitae), Labcorp
Classification: Uncertain significance for Compton-North congenital myopathy. Last evaluated: 2022-06-11. Review status: criteria provided, single submitter. Criteria: Invitae Variant Classification Sherloc (09022015). Collection method: clinical testing. Allele origin: germline.
Comment: Advanced modeling of protein sequence and biophysical properties (such as structural, functional, and spatial information, amino acid conservation, physicochemical variation, residue mobility, and thermodynamic stability) performed at Invitae indicates that this missense variant is not expected to disrupt CNTN1 protein function. This variant has not been reported in the literature in individuals affected with CNTN1-related conditions. This variant is not present in population databases (gnomAD no frequency). This sequence change replaces phenylalanine, which is neutral and non-polar, with cysteine, which is neutral and slightly polar, at codon 749 of the CNTN1 protein (p.Phe749Cys). In summary, the available evidence is currently insufficient to determine the role of this variant in disease. Therefore, it has been classified as a Variant of Uncertain Significance.

NM_001843.4(CNTN1):c.2246T>G (p.Phe749Cys)

Gene: CNTN1 (contactin 1; plus strand). Cytogenetic location: 12q12.
Variant type: single nucleotide variant.
Coding change: c.2246T>G on transcript NM_001843.4 (MANE Select); coding-DNA position 2246, T replaced by G.
Protein change: p.Phe749Cys; replaces phenylalanine 749 with cysteine.
Molecular consequence: missense variant.
Genome position (GRCh38, 1-based): chr12:41,016,743, T>G. VCF-style: chr12-41016743-T-G. GRCh37 (hg19) VCF-style: chr12-41410545-T-G.
Other names: c.2213T>G, p.Phe738Cys (NM_175038.2); short protein forms F749C, F738C.
Identifiers: ClinVar variation 2004897 (VCV002004897.4), dbSNP rs2499717845, ClinGen allele CA384586740.
Genomic context (GRCh38, chr12:41,016,743, plus strand): 5'-CTTTGTCAAGAGAATACCACTATGGCAACAATTTTGGTTACATAGTGGCATTTAAGCCAT[T>G]TGATGGAGAAGAATGGAAAAAAGTCACAGTTACTAATCCTGATACTGGCCGATATGTCCA-3'
Protein context (NP_001834.2, residues 739-759): NFGYIVAFKP[Phe749Cys]DGEEWKKVTV